The following is an entry in ClinVar:

ClinVar aggregate classification (germline): Pathogenic. Review status: criteria provided, multiple submitters, no conflicts (2 of 4 stars). 6 submissions from 6 submitters: Pathogenic (5). 1 of the submissions does not count toward it. Last evaluated 2025-12-18.

Conditions:
CYP21A2-related disorder. Also called: CYP21A2-related condition.
21-Hydroxylase-Deficient Congenital Adrenal Hyperplasia. Also called: ADRENAL HYPERPLASIA, CONGENITAL, DUE TO 21-HYDROXYLASE DEFICIENCY; ADRENAL HYPERPLASIA III. Identifiers: MedGen C2936858, OMIM 201910.

Allele frequency attached by ClinVar (database versions not stated): gnomAD exomes 0.00001; ExAC 0.00008.
gnomAD v4.1: 20 of 1,349,866 alleles (0.0015%); highest among the groups gnomAD compares: African/African-American, 0.0071%; no homozygotes.

Submissions (6):

PreventionGenetics, part of Exact Sciences
Classification: Pathogenic for CYP21A2-related condition. Last evaluated: 2025-12-18. Review status: criteria provided, single submitter. Criteria: ACMG Guidelines, 2015. Collection method: clinical testing. Allele origin: germline.
Comment: The CYP21A2 c.1225C>T variant is predicted to result in the amino acid substitution p.Arg409Cys. This variant results in minimal enzymatic activity and is predominantly associated with salt-wasting (SW) congenital adrenal hyperplasia (CAH) (also known as R408C; Haider et al. 2013. PubMed ID: 23359706; Billerbeck et al. 2002. PubMed ID: 12213891; Soardi et al. 2008. PubMed ID: 18381579). This rare variant is unlikely pseudogene-derived. This variant is reported in 0.0066% of alleles in individuals of African descent in gnomAD. This variant falls within a highly paralogous region. Allele frequency data should be interpreted with caution. This variant is interpreted as pathogenic.

Labcorp Genetics (formerly Invitae), Labcorp
Classification: Pathogenic. Last evaluated: 2025-07-21. Review status: criteria provided, single submitter. Criteria: Invitae Variant Classification Sherloc (09022015). Collection method: clinical testing. Allele origin: germline.
Comment: This sequence change replaces arginine, which is basic and polar, with cysteine, which is neutral and slightly polar, at codon 409 of the CYP21A2 protein (p.Arg409Cys). The frequency data for this variant in the population databases is considered unreliable, as metrics indicate poor data quality at this position in the gnomAD database. This missense change has been observed in individual(s) with classic salt-wasting or simple virilizing congenital adrenal hyperplasia due to 21-hydroxylase deficiency (PMID: 12213891, 18381579, 30995443). It has also been observed to segregate with disease in related individuals. This variant is also known as p.R408C and p.R409C. ClinVar contains an entry for this variant (Variation ID: 12179). An algorithm developed to predict the effect of missense changes on protein structure and function (PolyPhen-2) suggests that this variant is likely to be disruptive. Experimental studies have shown that this missense change affects CYP21A2 function (PMID: 18381579, 28539365). For these reasons, this variant has been classified as Pathogenic.

Blueprint Genetics
Classification: Pathogenic for CYP21A2-related disorders. Last evaluated: 2022-10-08. Review status: criteria provided, single submitter. Criteria: ACMG Guidelines, 2015. Collection method: clinical testing. Allele origin: germline. Affected: yes. Observed: 2 variant alleles.

Fulgent Genetics
Classification: Pathogenic for 21-Hydroxylase-Deficient Congenital Adrenal Hyperplasia. Last evaluated: 2022-03-23. Review status: criteria provided, single submitter. Criteria: ACMG Guidelines, 2015. Collection method: clinical testing. Allele origin: unknown.

Athena Diagnostics
Classification: Pathogenic. Last evaluated: 2021-07-17. Review status: criteria provided, single submitter. Criteria: Athena Diagnostics Criteria. Collection method: clinical testing. Allele origin: unknown.
Comment: Frequency data for this variant in the general population cannot be distinguished from that of the CYP21P pseudogene, and are therefore uninformative in assessment of variant pathogenicity. In multiple individuals, this variant has been seen in trans with other recessive pathogenic variants in CYP21A2, suggesting this variant is also pathogenic. This variant is also referred to as p.Arg408Cys in published literature. Assessment of experimental evidence suggests this variant results in abnormal protein function. In vitro assays show the variant severely reduces enzyme activity (PMID: 18381579, 28539365).

OMIM
Classification: Pathogenic for ADRENAL HYPERPLASIA, CONGENITAL, DUE TO 21-HYDROXYLASE DEFICIENCY, CLASSIC TYPE. Last evaluated: 2002-09-01. Review status: no assertion criteria provided. Collection method: literature only. Allele origin: germline. Not counted in ClinVar's aggregate classification.

Literature cited by the submitters: PubMed 12213891 (cited by 3 submitters); PubMed 18381579 (cited by Labcorp Genetics (formerly Invitae), Labcorp and Athena Diagnostics); PubMed 30995443 (cited by Labcorp Genetics (formerly Invitae), Labcorp and Athena Diagnostics); PubMed 28539365 (cited by Labcorp Genetics (formerly Invitae), Labcorp and Athena Diagnostics); PubMed 23359706 (cited by Athena Diagnostics); PubMed 22262854 (cited by Athena Diagnostics); PubMed 32289882 (cited by Athena Diagnostics).

NM_000500.9(CYP21A2):c.1225C>T (p.Arg409Cys)

Genes: CYP21A2 (cytochrome P450 family 21 subfamily A member 2; plus strand), LOC106780800 (CYP21A2 recombination region; plus strand). Cytogenetic location: 6p21.33.
Variant type: single nucleotide variant.
Coding change: c.1225C>T on transcript NM_000500.9 (MANE Select); coding-DNA position 1225, C replaced by T.
Protein change: p.Arg409Cys; replaces arginine 409 with cysteine.
Molecular consequence: missense variant.
Genome position (GRCh38, 1-based): chr6:32,040,871, C>T. VCF-style: chr6-32040871-C-T. GRCh37 (hg19) VCF-style: chr6-32008648-C-T.
Other names: R408C; c.1135C>T, p.Arg379Cys (NM_001128590.4); c.820C>T, p.Arg274Cys (NM_001368143.2, NM_001368144.2); short protein forms R274C, R379C, R409C.
Identifiers: ClinVar variation 12179 (VCV000012179.8), dbSNP rs72552757, ClinGen allele CA3732711.